The following is an entry in ClinVar:

ClinVar aggregate classification (germline): Likely pathogenic (1 of 4 stars; one submission).

Conditions:
Alexander disease (ALXDRD). Also called: Alexander's disease. Identifiers: Orphanet 58, MedGen C0270726, MONDO:0008752, OMIM 203450.

Submission:

Molecular Genetics, Royal Melbourne Hospital
Classification: Likely pathogenic for Alexander disease. Last evaluated: 2024-08-05. Review status: criteria provided, single submitter. Criteria: ACMG Guidelines, 2015. Collection method: clinical testing. Allele origin: germline. Inheritance: Autosomal dominant inheritance. Affected: yes.
Comment: This sequence change in GFAP is predicted to replace arginine with glycine at codon 270, p.(Arg270Gly). The arginine residue is highly conserved (100 vertebrates, Multiz Alignments), and is a citrullination site critical for protein function (PMID: 23828821). There is a large physicochemical difference between arginine and glycine. This variant is absent from the population database gnomAD v4.1. To our knowledge, this variant is novel and has not been previously reported in the relevant scientific literature or databases. Computational evidence predicts a deleterious effect for the missense substitution (REVEL = 0.73). Another missense variant c.809G>C, p.(Arg270Pro) in the same codon has been reported in a patient with adult-onset Alexander disease (PMID: 26914930). Based on the classification scheme RMH Modified ACMG/AMP Guidelines v1.7.0, this variant is classified as LIKELY PATHOGENIC. Following criteria are met: PM1, PM2_Supporting, PP3, PP4_Moderate.

Literature cited by the submitters: PubMed 20301351; PubMed 23828821; PubMed 26914930.

NM_002055.5(GFAP):c.808C>G (p.Arg270Gly)

Gene: GFAP (glial fibrillary acidic protein; minus strand). Cytogenetic location: 17q21.31.
Variant type: single nucleotide variant.
Coding change: c.808C>G on transcript NM_002055.5 (MANE Select); coding-DNA position 808, C replaced by G.
Protein change: p.Arg270Gly; replaces arginine 270 with glycine.
Molecular consequence: missense variant.
Genome position (GRCh38, 1-based): chr17:44,911,770, G>C on the plus strand (C>G on the coding strand, the complement: GFAP is on the minus strand). VCF-style: chr17-44911770-G-C. GRCh37 (hg19) VCF-style: chr17-42989138-G-C.
Other names: c.808C>G, p.Arg270Gly (NM_001131019.3, NM_001242376.3, NM_001363846.2); short protein forms R270G.
Identifiers: ClinVar variation 3773795 (VCV003773795.1).